The following is an entry in ClinVar:

NM_004336.5(BUB1):c.193G>A (p.Asp65Asn)

Gene: BUB1 (BUB1 mitotic checkpoint serine/threonine kinase; minus strand). Cytogenetic location: 2q13.
Variant type: single nucleotide variant.
Coding change: c.193G>A on transcript NM_004336.5 (MANE Select); coding-DNA position 193, G replaced by A.
Protein change: p.Asp65Asn; replaces aspartic acid 65 with asparagine.
Molecular consequence: missense variant.
Genome position (GRCh38, 1-based): chr2:110,674,118, C>T on the plus strand (G>A on the coding strand, the complement: BUB1 is on the minus strand). VCF-style: chr2-110674118-C-T. GRCh37 (hg19) VCF-style: chr2-111431695-C-T.
Other names: c.133G>A, p.Asp45Asn (NM_001278616.2); c.193G>A, p.Asp65Asn (NM_001278617.2); short protein forms D45N, D65N.
Identifiers: ClinVar variation 2560899 (VCV002560899.2), dbSNP rs2468038590, ClinGen allele CA348221146.
Genomic context (GRCh38, chr2:110,674,118, plus strand): 5'-TTTGATTATACATCTTAAGTATACTTACAAATTTTAAACAATAACTGATGAATCTTGGGT[C>T]ATTGTGGTATTTCTTCTTATCTAAAAATTCCTTCATTAAATGTTCTAGTAAAGTTATCAA-3'
Protein context (NP_004327.1, residues 55-75): EFLDKKKYHN[Asp65Asn]PRFISYCLKF

ClinVar aggregate classification (germline): Uncertain significance (1 of 4 stars; one submission).

Allele frequency attached by ClinVar (database versions not stated): gnomAD exomes below 0.00001.
gnomAD v4.1: 3 of 1,546,116 alleles (0.00019%); highest among the groups gnomAD compares: Non-Finnish European, 0.00027%; no homozygotes.

Submission:

Ambry Genetics
Classification: Uncertain significance. Last evaluated: 2023-05-21. Review status: criteria provided, single submitter. Criteria: Ambry Variant Classification Scheme 2023. Collection method: clinical testing. Allele origin: germline.
Comment: The p.D65N variant (also known as c.193G>A), located in coding exon 3 of the BUB1 gene, results from a G to A substitution at nucleotide position 193. The aspartic acid at codon 65 is replaced by asparagine, an amino acid with highly similar properties. This amino acid position is conserved. In addition, the in silico prediction for this alteration is inconclusive. Since supporting evidence is limited at this time, the clinical significance of this alteration remains unclear.